The following is an entry in ClinVar:

NM_016507.4(CDK12):c.3654G>A (p.Met1218Ile)

Gene: CDK12 (cyclin dependent kinase 12; plus strand). Cytogenetic location: 17q12.
Variant type: single nucleotide variant.
Coding change: c.3654G>A on transcript NM_016507.4 (MANE Select); coding-DNA position 3654, G replaced by A.
Protein change: p.Met1218Ile; replaces methionine 1218 with isoleucine.
Molecular consequence: missense variant.
Genome position (GRCh38, 1-based): chr17:39,526,210, G>A. VCF-style: chr17-39526210-G-A. GRCh37 (hg19) VCF-style: chr17-37682463-G-A.
Other names: c.3654G>A, p.Met1218Ile (NM_015083.4); short protein forms M1218I.
Identifiers: ClinVar variation 3999345 (VCV003999345.1).
Genomic context (GRCh38, chr17:39,526,210, plus strand): 5'-AGCTTCAAGCACACCAGCTGACATGCAGAATATATTGGCAGTTCTCTTGAGTCAGCTGAT[G>A]AAAACCCAAGAGCCAGCAGGCAGTCTGGAGGAAAACAACAGTGACAAGAACAGTGGGCCA-3'
Protein context (NP_057591.2, residues 1208-1228): NILAVLLSQL[Met1218Ile]KTQEPAGSLE

ClinVar aggregate classification (germline): Uncertain significance (1 of 4 stars; one submission).

Submission:

Ambry Genetics
Classification: Uncertain significance. Last evaluated: 2025-04-11. Review status: criteria provided, single submitter. Criteria: Ambry Variant Classification Scheme 2023. Collection method: clinical testing. Allele origin: germline.
Comment: The p.M1218I variant (also known as c.3654G>A), located in coding exon 13 of the CDK12 gene, results from a G to A substitution at nucleotide position 3654. The methionine at codon 1218 is replaced by isoleucine, an amino acid with highly similar properties. This amino acid position is conserved. In addition, this alteration is predicted to be tolerated by in silico analysis. Based on the available evidence, the clinical significance of this variant remains unclear.